The following is an entry in ClinVar:

ClinVar aggregate classification (germline): Uncertain significance (1 of 4 stars; one submission).

Conditions:
Familial cancer of breast. Also called: hereditary breast carcinoma; BREAST CANCER, FAMILIAL; Hereditary breast cancer. Identifiers: Orphanet 227535, MedGen C0346153, MONDO:0016419, OMIM 114480. Disease mechanism: loss of function.

Submission:

Labcorp Genetics (formerly Invitae), Labcorp
Classification: Uncertain significance for Familial cancer of breast. Last evaluated: 2021-12-24. Review status: criteria provided, single submitter. Criteria: Invitae Variant Classification Sherloc (09022015). Collection method: clinical testing. Allele origin: germline.
Comment: This sequence change replaces glutamic acid, which is acidic and polar, with glycine, which is neutral and non-polar, at codon 367 of the PALB2 protein (p.Glu367Gly). This variant is not present in population databases (gnomAD no frequency). This variant has not been reported in the literature in individuals affected with PALB2-related conditions. Algorithms developed to predict the effect of missense changes on protein structure and function are either unavailable or do not agree on the potential impact of this missense change (SIFT: "Deleterious"; PolyPhen-2: "Benign"; Align-GVGD: "Class C0"). In summary, the available evidence is currently insufficient to determine the role of this variant in disease. Therefore, it has been classified as a Variant of Uncertain Significance.

NM_024675.4(PALB2):c.1100A>G (p.Glu367Gly)

Gene: PALB2 (partner and localizer of BRCA2; minus strand). Cytogenetic location: 16p12.2.
Variant type: single nucleotide variant.
Coding change: c.1100A>G on transcript NM_024675.4 (MANE Select); coding-DNA position 1100, A replaced by G.
Protein change: p.Glu367Gly; replaces glutamic acid 367 with glycine.
Molecular consequence: missense variant.
Genome position (GRCh38, 1-based): chr16:23,635,446, T>C on the plus strand (A>G on the coding strand, the complement: PALB2 is on the minus strand). VCF-style: chr16-23635446-T-C. GRCh37 (hg19) VCF-style: chr16-23646767-T-C.
Other names: c.1040A>G, p.Glu347Gly (NM_001407296.1); c.1100A>G, p.Glu367Gly (NM_001407297.1, NM_001407298.1, NM_001407299.1 and 3 more transcripts); c.215A>G, p.Glu72Gly (NM_001407304.1, NM_001407305.1, NM_001407306.1 and 5 more transcripts); short protein forms E367G, E72G, E347G.
Identifiers: ClinVar variation 2057265 (VCV002057265.4), dbSNP rs2142425917, ClinGen allele CA395133859.